The following is an entry in ClinVar:

NM_016148.5(SHANK1):c.24C>G (p.Ser8Arg)

Gene: SHANK1 (SH3 and multiple ankyrin repeat domains 1; minus strand). Cytogenetic location: 19q13.33.
Variant type: single nucleotide variant.
Coding change: c.24C>G on transcript NM_016148.5 (MANE Select); coding-DNA position 24, C replaced by G.
Protein change: p.Ser8Arg; replaces serine 8 with arginine.
Molecular consequence: missense variant.
Genome position (GRCh38, 1-based): chr19:50,716,896, G>C on the plus strand (C>G on the coding strand, the complement: SHANK1 is on the minus strand). VCF-style: chr19-50716896-G-C. GRCh37 (hg19) VCF-style: chr19-51220153-G-C.
Other names: short protein forms S8R.
Identifiers: ClinVar variation 4811541 (VCV004811541.1).

ClinVar aggregate classification (germline): Uncertain significance (1 of 4 stars; one submission).

gnomAD v4.1: 1 of 1,454,472 alleles (0.000069%); highest among the groups gnomAD compares: Middle Eastern, 0.019%; no homozygotes.

Submission:

Labcorp Genetics (formerly Invitae), Labcorp
Classification: Uncertain significance. Last evaluated: 2025-10-03. Review status: criteria provided, single submitter. Criteria: Invitae Variant Classification Sherloc (09022015). Collection method: clinical testing. Allele origin: germline.
Comment: This sequence change replaces serine, which is neutral and polar, with arginine, which is basic and polar, at codon 8 of the SHANK1 protein (p.Ser8Arg). This variant is not present in population databases (gnomAD no frequency). This variant has not been reported in the literature in individuals affected with SHANK1-related conditions. Experimental studies and prediction algorithms are not available or were not evaluated, and the functional significance of this variant is currently unknown. In summary, the available evidence is currently insufficient to determine the role of this variant in disease. Therefore, it has been classified as a Variant of Uncertain Significance.